The following is an entry in ClinVar:

NM_001199107.2(TBC1D24):c.76G>T (p.Glu26Ter)

Gene: TBC1D24 (TBC1 domain family member 24; plus strand). Cytogenetic location: 16p13.3.
Variant type: single nucleotide variant.
Coding change: c.76G>T on transcript NM_001199107.2 (MANE Select); coding-DNA position 76, G replaced by T.
Protein change: p.Glu26Ter; replaces glutamic acid 26 with a stop codon.
Molecular consequence: nonsense.
Genome position (GRCh38, 1-based): chr16:2,496,224, G>T. VCF-style: chr16-2496224-G-T. GRCh37 (hg19) VCF-style: chr16-2546225-G-T.
Other names: c.76G>T, p.Glu26Ter (NM_020705.3); short protein forms E26*.
Identifiers: ClinVar variation 3601867 (VCV003601867.1).

ClinVar aggregate classification (germline): Pathogenic (1 of 4 stars; one submission).

Conditions:
Autosomal recessive nonsyndromic hearing loss 86 (DFNB86). Also called: TBC1D24-Related Autosomal Recessive Nonsyndromic Hearing Loss (DFNB); Deafness , autosomal recessive 86. Identifiers: Orphanet 90636, MedGen C2829265, MONDO:0013826, OMIM 614617.

Submission:

Institute of Rare Diseases, West China Hospital, Sichuan University
Classification: Pathogenic for Autosomal recessive nonsyndromic hearing loss 86. Last evaluated: 2025-01-09. Review status: criteria provided, single submitter. Criteria: ClinGen HL ACMG Specifications v1. Collection method: research. Allele origin: germline. Affected: yes.
Comment: PVS1;PM3;PM2_Supporting